The following is an entry in ClinVar:

ClinVar aggregate classification (germline): Pathogenic (1 of 4 stars; one submission).

Conditions:
Pierson syndrome. Also called: MICROCORIA-CONGENITAL NEPHROTIC SYNDROME. Identifiers: Orphanet 2670, MedGen C1836876, MONDO:0012184, OMIM 609049.
LAMB2-related infantile-onset nephrotic syndrome. Also called: NEPHROTIC SYNDROME, TYPE 5, WITHOUT OCULAR ABNORMALITIES; NEPHROTIC SYNDROME, TYPE 5, WITH OCULAR ABNORMALITIES; Nephrotic Syndrome, type 5. Identifiers: Orphanet 306507, MedGen C3280113, MONDO:0013621, OMIM 614199.

Submission:

Labcorp Genetics (formerly Invitae), Labcorp
Classification: Pathogenic for LAMB2-related infantile-onset nephrotic syndrome; Pierson syndrome. Last evaluated: 2024-08-04. Review status: criteria provided, single submitter. Criteria: Invitae Variant Classification Sherloc (09022015). Collection method: clinical testing. Allele origin: germline.
Comment: This sequence change creates a premature translational stop signal (p.Gln950*) in the LAMB2 gene. It is expected to result in an absent or disrupted protein product. Loss-of-function variants in LAMB2 are known to be pathogenic (PMID: 15367484). This variant is not present in population databases (gnomAD no frequency). This variant has not been reported in the literature in individuals affected with LAMB2-related conditions. For these reasons, this variant has been classified as Pathogenic.

Literature cited by the submitters: PubMed 15367484.

NM_002292.4(LAMB2):c.2848C>T (p.Gln950Ter)

Gene: LAMB2 (laminin subunit beta 2; minus strand). Cytogenetic location: 3p21.31.
Variant type: single nucleotide variant.
Coding change: c.2848C>T on transcript NM_002292.4 (MANE Select); coding-DNA position 2848, C replaced by T.
Protein change: p.Gln950Ter; replaces glutamine 950 with a stop codon.
Molecular consequence: nonsense.
Genome position (GRCh38, 1-based): chr3:49,125,042, G>A on the plus strand (C>T on the coding strand, the complement: LAMB2 is on the minus strand). VCF-style: chr3-49125042-G-A. GRCh37 (hg19) VCF-style: chr3-49162475-G-A.
Other names: short protein forms Q950*.
Identifiers: ClinVar variation 3763352 (VCV003763352.2).